The following is an entry in ClinVar:

ClinVar aggregate classification (germline): Pathogenic/Likely pathogenic. Review status: criteria provided, multiple submitters, no conflicts (2 of 4 stars). 4 submissions from 3 submitters: Pathogenic (2); Likely pathogenic (2). Last evaluated 2023-11-04.

Conditions:
Retinitis pigmentosa 39 (RP39). Identifiers: Orphanet 791, MedGen C3151138, MONDO:0013436, OMIM 613809.
Usher syndrome type 2A. Also called: USHER SYNDROME, TYPE IIA; RETINAL DISEASE IN USHER SYNDROME TYPE IIA, MODIFIER OF. Identifiers: Orphanet 231178, Orphanet 886, MedGen C1848634, MONDO:0010169, OMIM 276901.

gnomAD v4.1: 2 of 1,613,522 alleles (0.00012%); highest among the groups gnomAD compares: Non-Finnish European, 0.00017%; no homozygotes.

Submissions (4):

Genome-Nilou Lab
Classification: Likely pathogenic for Usher syndrome type 2A. Last evaluated: 2023-11-04. Review status: criteria provided, single submitter. Criteria: ACMG Guidelines, 2015. Collection method: clinical testing. Allele origin: germline. Affected: no.

Genome-Nilou Lab
Classification: Pathogenic for Retinitis pigmentosa 39. Last evaluated: 2023-11-04. Review status: criteria provided, single submitter. Criteria: ACMG Guidelines, 2015. Collection method: clinical testing. Allele origin: germline. Affected: no.

GeneDx
Classification: Pathogenic. Last evaluated: 2015-03-24. Review status: criteria provided, single submitter. Criteria: GeneDx Variant Classification (06012015). Collection method: clinical testing. Allele origin: germline. Affected: yes.
Comment: The S2492X nonsense variant in the USH2A gene is predicted to cause loss of normal protein functioneither through protein truncation or nonsense-mediated mRNA decay. S2492X was notobserved in approximately 6,500 individuals of European and African American ancestry in the NHLBIExome Sequencing Project, indicating it is not a common benign variant in these populations. Although thisvariant has not been reported previously to our knowledge, we consider it to be pathogenic.

Molecular Genetics Laboratory; Baylor College of Medicine
Classification: Likely pathogenic. Review status: criteria provided, single submitter. Criteria: Submitter's publication. Collection method: not provided. Allele origin: unknown.
ClinVar note: Converted during submission from probable-pathogenic to Likely pathogenic.

NM_206933.4(USH2A):c.7475C>A (p.Ser2492Ter)

Gene: USH2A (usherin; minus strand). Cytogenetic location: 1q41.
Variant type: single nucleotide variant.
Coding change: c.7475C>A on transcript NM_206933.4 (MANE Select); coding-DNA position 7475, C replaced by A.
Protein change: p.Ser2492Ter; replaces serine 2492 with a stop codon.
Molecular consequence: nonsense.
Genome position (GRCh38, 1-based): chr1:215,900,194, G>T on the plus strand (C>A on the coding strand, the complement: USH2A is on the minus strand). VCF-style: chr1-215900194-G-T. GRCh37 (hg19) VCF-style: chr1-216073536-G-T.
Other names: short protein forms S2492*.
Identifiers: ClinVar variation 133313 (VCV000133313.4), dbSNP rs483353056, ClinGen allele CA269919.
Genomic context (GRCh38, chr1:215,900,194, plus strand): 5'-GCAACCAACCGAAACATATACTCTGTGTACGGTTGGAGATCACTCACTTCATAGCTTAAC[G>T]ATGCAGAAGGATTGGAAAATAACCTGTATGGGAAATAAATGTCAATTAGGAAGTTTTCGA-3'